The following is an entry in ClinVar:

ClinVar aggregate classification (germline): Uncertain significance. Review status: criteria provided, multiple submitters, no conflicts (2 of 4 stars). 2 submissions from 2 submitters: Uncertain significance (2). Last evaluated 2025-03-14.

Conditions:
Hereditary cancer-predisposing syndrome. Also called: Neoplastic Syndromes, Hereditary; Hereditary Cancer Syndrome; Hereditary neoplastic syndrome; Tumor predisposition. Identifiers: Orphanet 140162, MedGen C0027672, MeSH D009386, MONDO:0015356.

Allele frequency attached by ClinVar (database versions not stated): gnomAD exomes below 0.00001.
gnomAD v4.1: 1 of 1,614,196 alleles (0.000062%); highest among the groups gnomAD compares: Non-Finnish European, 0.000085%; no homozygotes.

Submissions (2):

Ambry Genetics
Classification: Uncertain significance for Hereditary cancer-predisposing syndrome. Last evaluated: 2025-03-14. Review status: criteria provided, single submitter. Criteria: Ambry Variant Classification Scheme 2023. Collection method: clinical testing. Allele origin: germline.
Comment: The p.G848V variant (also known as c.2543G>T), located in coding exon 17 of the CTNNA1 gene, results from a G to T substitution at nucleotide position 2543. The glycine at codon 848 is replaced by valine, an amino acid with dissimilar properties. This amino acid position is conserved. In addition, this alteration is predicted to be deleterious by in silico analysis. The evidence for this gene-disease relationship is limited; therefore, the clinical significance of this alteration is unclear.

Labcorp Genetics (formerly Invitae), Labcorp
Classification: Uncertain significance. Last evaluated: 2022-03-11. Review status: criteria provided, single submitter. Criteria: Invitae Variant Classification Sherloc (09022015). Collection method: clinical testing. Allele origin: germline.
Comment: Algorithms developed to predict the effect of sequence changes on RNA splicing suggest that this variant may create or strengthen a splice site. In summary, the available evidence is currently insufficient to determine the role of this variant in disease. Therefore, it has been classified as a Variant of Uncertain Significance. Algorithms developed to predict the effect of missense changes on protein structure and function are either unavailable or do not agree on the potential impact of this missense change (SIFT: "Deleterious"; PolyPhen-2: "Benign"; Align-GVGD: "Class C0"). This sequence change replaces glycine, which is neutral and non-polar, with valine, which is neutral and non-polar, at codon 848 of the CTNNA1 protein (p.Gly848Val). This variant is not present in population databases (gnomAD no frequency). This variant has not been reported in the literature in individuals affected with CTNNA1-related conditions.

NM_001903.5(CTNNA1):c.2543G>T (p.Gly848Val)

Gene: CTNNA1 (catenin alpha 1; plus strand). Cytogenetic location: 5q31.2.
Variant type: single nucleotide variant.
Coding change: c.2543G>T on transcript NM_001903.5 (MANE Select); coding-DNA position 2543, G replaced by T.
Protein change: p.Gly848Val; replaces glycine 848 with valine.
Molecular consequence: missense variant. On other transcripts: 3 prime UTR variant (5).
Genome position (GRCh38, 1-based): chr5:138,933,911, G>T. VCF-style: chr5-138933911-G-T. GRCh37 (hg19) VCF-style: chr5-138269600-G-T.
Other names: c.*88G>T (NM_001290307.3, NM_001324002.1, NM_001324003.1 and 2 more transcripts); c.2234G>T, p.Gly745Val (NM_001290309.3); c.2174G>T, p.Gly725Val (NM_001290310.3); c.1433G>T, p.Gly478Val (NM_001290312.1, NM_001323987.1, NM_001323988.1 and 12 more transcripts); c.2543G>T, p.Gly848Val (NM_001323982.2, NM_001323983.1, NM_001323984.2); c.2516G>T, p.Gly839Val (NM_001323985.2); c.2450G>T, p.Gly817Val (NM_001323986.2); c.1298G>T, p.Gly433Val (NM_001324001.1); and 4 more; short protein forms G433V, G447V, G725V, G817V, G397V, G365V, G478V, G848V.
Identifiers: ClinVar variation 2042652 (VCV002042652.7), dbSNP rs575417154, ClinGen allele CA128225483.